The following is an entry in ClinVar:

ClinVar aggregate classification (germline): Uncertain significance. Review status: criteria provided, multiple submitters, no conflicts (2 of 4 stars). 4 submissions from 4 submitters: Uncertain significance (4). Last evaluated 2024-09-08.

Allele frequency attached by ClinVar (database versions not stated): gnomAD 0.00001; gnomAD exomes below 0.00001.
gnomAD v4.1: 28 of 1,611,272 alleles (0.0017%); highest among the groups gnomAD compares: Non-Finnish European, 0.002%; no homozygotes.

Submissions (4):

Women's Health and Genetics/Laboratory Corporation of America, LabCorp
Classification: Uncertain significance. Last evaluated: 2024-09-08. Review status: criteria provided, single submitter. Criteria: LabCorp Variant Classification Summary - May 2015. Collection method: clinical testing. Allele origin: germline.

Labcorp Genetics (formerly Invitae), Labcorp
Classification: Uncertain significance. Last evaluated: 2024-05-07. Review status: criteria provided, single submitter. Criteria: Invitae Variant Classification Sherloc (09022015). Collection method: clinical testing. Allele origin: germline.
Comment: This sequence change replaces serine, which is neutral and polar, with proline, which is neutral and non-polar, at codon 597 of the RASA2 protein (p.Ser597Pro). This variant is not present in population databases (gnomAD no frequency). This variant has not been reported in the literature in individuals affected with RASA2-related conditions. ClinVar contains an entry for this variant (Variation ID: 992716). Algorithms developed to predict the effect of missense changes on protein structure and function output the following: SIFT: "Not Available"; PolyPhen-2: "Benign"; Align-GVGD: "Not Available". The proline amino acid residue is found in multiple mammalian species, which suggests that this missense change does not adversely affect protein function. In summary, the available evidence is currently insufficient to determine the role of this variant in disease. Therefore, it has been classified as a Variant of Uncertain Significance.

Blueprint Genetics
Classification: Uncertain significance. Last evaluated: 2020-05-26. Review status: criteria provided, single submitter. Criteria: ACMG Guidelines, 2015. Collection method: clinical testing. Allele origin: germline.

New York Genome Center
Classification: Uncertain significance. Last evaluated: 2019-07-22. Review status: criteria provided, single submitter. Criteria: NYGC Assertion Criteria 2020. Collection method: clinical testing. Allele origin: germline. Inheritance: Autosomal dominant inheritance. Affected: yes. Observed: 1 heterozygote. Study: CSER-NYCKidSeq.

NM_006506.5(RASA2):c.1789T>C (p.Ser597Pro)

Gene: RASA2 (RAS p21 protein activator 2; plus strand). Cytogenetic location: 3q23.
Variant type: single nucleotide variant.
Coding change: c.1789T>C on transcript NM_006506.5 (MANE Select); coding-DNA position 1789, T replaced by C.
Protein change: p.Ser597Pro; replaces serine 597 with proline.
Molecular consequence: missense variant.
Genome position (GRCh38, 1-based): chr3:141,586,061, T>C. VCF-style: chr3-141586061-T-C. GRCh37 (hg19) VCF-style: chr3-141304903-T-C.
Other names: c.1789T>C, p.Ser597Pro (NM_001303245.3, NM_001303246.3); short protein forms S597P.
Identifiers: ClinVar variation 992716 (VCV000992716.10), dbSNP rs1239811236, ClinGen allele CA354781764.
Genomic context (GRCh38, chr3:141,586,061, plus strand): 5'-ATATTTGCCCATTTCCCCATTTAGTTCTTGGATGAAATTTCATCTACTGAAACTAAAGAG[T>C]CCAGTGGTACGAGTGAGCCTGTGCACCTGAAAGAAGGGTAATTTAATCAAATTAGACGTG-3'
Protein context (NP_006497.2, residues 587-607): DEISSTETKE[Ser597Pro]SGTSEPVHLK